The following is an entry in ClinVar:

NM_000051.4(ATM):c.4564G>C (p.Gly1522Arg)

Gene: ATM (ATM serine/threonine kinase; plus strand). Cytogenetic location: 11q22.3.
Variant type: single nucleotide variant.
Coding change: c.4564G>C on transcript NM_000051.4 (MANE Select); coding-DNA position 4564, G replaced by C.
Protein change: p.Gly1522Arg; replaces glycine 1522 with arginine.
Molecular consequence: missense variant.
Genome position (GRCh38, 1-based): chr11:108,292,746, G>C. VCF-style: chr11-108292746-G-C. GRCh37 (hg19) VCF-style: chr11-108163473-G-C.
Other names: c.4564G>C, p.Gly1522Arg (NM_001351834.2); short protein forms G1522R.
Identifiers: ClinVar variation 964157 (VCV000964157.10), dbSNP rs1064795495, ClinGen allele CA382533869.
Genomic context (GRCh38, chr11:108,292,746, plus strand): 5'-TGCCAGACAGCCGTGACTTACTGTAAGGATGCTCTAGAAAACCATCTTCATGTTATTGTT[G>C]GTACACTTATACCCCTTGTGTATGAGCAGGTGGAGGTTCAGAAACAGGTAATTTTCTGAC-3'
Protein context (NP_000042.3, residues 1512-1532): ALENHLHVIV[Gly1522Arg]TLIPLVYEQV

ClinVar aggregate classification (germline): Uncertain significance. Review status: criteria provided, multiple submitters, no conflicts (2 of 4 stars). 2 submissions from 2 submitters: Uncertain significance (2). Last evaluated 2025-03-04.

Conditions:
Ataxia-telangiectasia syndrome (AT). Also called: AT, COMPLEMENTATION GROUP C; Ataxia telangiectasia (A-T); Cerebello-oculocutaneous telangiectasia; Immunodeficiency with ataxia telangiectasia; LOUIS-BAR SYNDROME; Ataxia-telangiectasia. Identifiers: Orphanet 100, MedGen C0004135, MONDO:0008840, OMIM 208900.

Submissions (2):

Center for Genomic Medicine, Rigshospitalet, Copenhagen University Hospital
Classification: Uncertain significance. Last evaluated: 2025-03-04. Review status: criteria provided, single submitter. Criteria: ACMG Guidelines, 2015. Collection method: clinical testing. Allele origin: germline.

Labcorp Genetics (formerly Invitae), Labcorp
Classification: Uncertain significance for Ataxia-telangiectasia syndrome. Last evaluated: 2022-05-30. Review status: criteria provided, single submitter. Criteria: Invitae Variant Classification Sherloc (09022015). Collection method: clinical testing. Allele origin: germline.
Comment: ClinVar contains an entry for this variant (Variation ID: 964157). In summary, the available evidence is currently insufficient to determine the role of this variant in disease. Therefore, it has been classified as a Variant of Uncertain Significance. Advanced modeling of protein sequence and biophysical properties (such as structural, functional, and spatial information, amino acid conservation, physicochemical variation, residue mobility, and thermodynamic stability) performed at Invitae indicates that this missense variant is not expected to disrupt ATM protein function. This variant has not been reported in the literature in individuals affected with ATM-related conditions. This variant is not present in population databases (gnomAD no frequency). This sequence change replaces glycine, which is neutral and non-polar, with arginine, which is basic and polar, at codon 1522 of the ATM protein (p.Gly1522Arg).